The following is an entry in ClinVar:

ClinVar aggregate classification (germline): Uncertain significance (1 of 4 stars; one submission).

Conditions:
Intellectual disability, autosomal recessive 53 (NEDHSCA). Also called: GLYCOSYLPHOSPHATIDYLINOSITOL BIOSYNTHESIS DEFECT 13; Mental retardation, autosomal recessive 53; NEURODEVELOPMENTAL DISORDER WITH OR WITHOUT HYPOTONIA, SEIZURES, AND CEREBELLAR ATROPHY. Identifiers: Orphanet 488635, MedGen C4310794, MONDO:0014832, OMIM 616917.

Allele frequency attached by ClinVar (database versions not stated): gnomAD exomes below 0.00001.
gnomAD v4.1: 2 of 1,614,126 alleles (0.00012%); highest among the groups gnomAD compares: South Asian, 0.0022%; no homozygotes.

Submission:

Neuberg Centre For Genomic Medicine, NCGM
Classification: Uncertain significance for Intellectual disability, autosomal recessive 53. Review status: criteria provided, single submitter. Criteria: ACMG Guidelines, 2015. Collection method: clinical testing. Allele origin: germline. Inheritance: Autosomal dominant inheritance. Affected: yes.
Comment: The missense c.1907G>T (p.Gly636Val) variant in PIGG gene has not been reported previously as a pathogenic variant nor as a benign variant, to our knowledge. The p.Gly636Val variant has allele frequency 0.0004% in gnomAD and is absent in 1000 Genomes. This variant has not been reported to the ClinVar database. The amino acid Gly at position 636 is changed to a Val changing protein sequence and it might alter its composition and physico-chemical properties. For these reasons, this variant has been classified as Variant of Uncertain Significance (VUS).

NM_001127178.3(PIGG):c.1907G>T (p.Gly636Val)

Gene: PIGG (phosphatidylinositol glycan anchor biosynthesis class G (EMM blood group); plus strand). Cytogenetic location: 4p16.3.
Variant type: single nucleotide variant.
Coding change: c.1907G>T on transcript NM_001127178.3 (MANE Select); coding-DNA position 1907, G replaced by T.
Protein change: p.Gly636Val; replaces glycine 636 with valine.
Molecular consequence: missense variant. On other transcripts: non-coding transcript variant (6).
Genome position (GRCh38, 1-based): chr4:523,751, G>T. VCF-style: chr4-523751-G-T. GRCh37 (hg19) VCF-style: chr4-517540-G-T.
Other names: c.1640G>T, p.Gly547Val (NM_001289051.2, NM_001345986.2); c.1508G>T, p.Gly503Val (NM_001289052.2); c.1616G>T, p.Gly539Val (NM_001345987.2); c.878G>T, p.Gly293Val (NM_001345988.2); c.374G>T, p.Gly125Val (NM_001345990.2, NM_001345991.2); c.809G>T, p.Gly270Val (NM_001345994.2); c.1883G>T, p.Gly628Val (NM_017733.5); short protein forms G125V, G270V, G293V, G503V, G539V, G547V, G628V, G636V.
Identifiers: ClinVar variation 3250447 (VCV003250447.1), dbSNP rs745714290.
Genomic context (GRCh38, chr4:523,751, plus strand): 5'-ACGGGGCCACAGCAGCGTGGCAGGACGGGCCTGGCTGTGATGTCCTGGAGCGAGACAAAG[G>T]CCACGGAAGCCCCTCTACCTCCGAAGTGCTCAGAGGCCGCGAGAAGTGGATGGTGCTGGC-3'
Protein context (NP_001120650.1, residues 626-646): PGCDVLERDK[Gly636Val]HGSPSTSEVL